The following is an entry in ClinVar:

NM_001013703.4(EIF2AK4):c.1321A>C (p.Ile441Leu)

Gene: EIF2AK4 (eukaryotic translation initiation factor 2 alpha kinase 4; plus strand). Cytogenetic location: 15q15.1.
Variant type: single nucleotide variant.
Coding change: c.1321A>C on transcript NM_001013703.4 (MANE Select); coding-DNA position 1321, A replaced by C.
Protein change: p.Ile441Leu; replaces isoleucine 441 with leucine.
Molecular consequence: missense variant.
Genome position (GRCh38, 1-based): chr15:39,967,647, A>C. VCF-style: chr15-39967647-A-C. GRCh37 (hg19) VCF-style: chr15-40259848-A-C.
Other names: short protein forms I441L.
Identifiers: ClinVar variation 381213 (VCV000381213.26), dbSNP rs2291627, ClinGen allele CA7473752.

ClinVar aggregate classification (germline): Benign. Review status: criteria provided, multiple submitters, no conflicts (2 of 4 stars). 6 submissions from 6 submitters: Benign (6). Last evaluated 2026-02-03.

Conditions:
Familial pulmonary capillary hemangiomatosis (PVOD2). Also called: Pulmonary venoocclusive disease 2, autosomal recessive; Pulmonary venoocclusive disease 2. Identifiers: Orphanet 199241, MedGen C0340848, MONDO:0009329, OMIM 234810.

Allele frequency attached by ClinVar (database versions not stated): gnomAD exomes 0.11183 and 0.15004; ESP Exome Variant Server 0.12160; gnomAD 0.14091 and 0.14768; ExAC 0.14908; TOPMed 0.16250; 1000 Genomes Project 30x 0.24438; 1000 Genomes Project 0.24740.
gnomAD v4.1: 187,775 of 1,614,002 alleles (12%); highest among the groups gnomAD compares: East Asian, 51%; 16,203 homozygotes.

Submissions (6):

Labcorp Genetics (formerly Invitae), Labcorp
Classification: Benign. Last evaluated: 2026-02-03. Review status: criteria provided, single submitter. Criteria: Invitae Variant Classification Sherloc (09022015). Collection method: clinical testing. Allele origin: germline.

ARUP Laboratories, Molecular Genetics and Genomics, ARUP Laboratories
Classification: Benign for Familial pulmonary capillary hemangiomatosis. Last evaluated: 2025-06-19. Review status: criteria provided, single submitter. Criteria: ARUP Molecular Germline Variant Investigation Process 2024. Collection method: clinical testing. Allele origin: germline.

Blueprint Genetics
Classification: Benign. Last evaluated: 2024-11-27. Review status: criteria provided, single submitter. Criteria: ACMG Guidelines, 2015. Collection method: clinical testing. Allele origin: germline.

GeneDx
Classification: Benign. Last evaluated: 2016-12-04. Review status: criteria provided, single submitter. Criteria: GeneDx Variant Classification (06012015). Collection method: clinical testing. Allele origin: germline. Affected: yes.
Comment: This variant is considered likely benign or benign based on one or more of the following criteria: it is a conservative change, it occurs at a poorly conserved position in the protein, it is predicted to be benign by multiple in silico algorithms, and/or has population frequency not consistent with disease.

Laboratory for Molecular Medicine, Mass General Brigham Personalized Medicine
Classification: Benign. Last evaluated: 2016-03-28. Review status: criteria provided, single submitter. Criteria: LMM Criteria. Collection method: clinical testing. Allele origin: germline.
Comment: Variant identified in a genome or exome case(s) and assessed due to predicted null impact of the variant or pathogenic assertions in the literature or databases. Disclaimer: This variant has not undergone full assessment. The following are preliminary notes: Frequency

Breakthrough Genomics
Classification: Benign. Review status: criteria provided, single submitter. Criteria: ACMG Guidelines, 2015. Collection method: not provided. Allele origin: germline. Inheritance: Autosomal recessive inheritance. Affected: yes.